The following is an entry in ClinVar:

ClinVar aggregate classification (germline): Uncertain significance (1 of 4 stars; one submission).

gnomAD v4.1: 2 of 1,404,224 alleles (0.00014%); highest among the groups gnomAD compares: South Asian, 0.0014%; no homozygotes.

Submission:

Labcorp Genetics (formerly Invitae), Labcorp
Classification: Uncertain significance. Last evaluated: 2025-06-27. Review status: criteria provided, single submitter. Criteria: Invitae Variant Classification Sherloc (09022015). Collection method: clinical testing. Allele origin: germline.
Comment: This sequence change replaces glycine, which is neutral and non-polar, with arginine, which is basic and polar, at codon 166 of the CTF1 protein (p.Gly166Arg). This variant is not present in population databases (gnomAD no frequency). This variant has not been reported in the literature in individuals affected with CTF1-related conditions. An algorithm developed to predict the effect of missense changes on protein structure and function (PolyPhen-2) suggests that this variant is likely to be disruptive. In summary, the available evidence is currently insufficient to determine the role of this variant in disease. Therefore, it has been classified as a Variant of Uncertain Significance.

NM_001330.5(CTF1):c.496G>C (p.Gly166Arg)

Genes: CTF1 (cardiotrophin 1; plus strand), LOC130058878 (ATAC-STARR-seq lymphoblastoid silent region 7400; plus strand). Cytogenetic location: 16p11.2.
Variant type: single nucleotide variant.
Coding change: c.496G>C on transcript NM_001330.5 (MANE Select); coding-DNA position 496, G replaced by C.
Protein change: p.Gly166Arg; replaces glycine 166 with arginine.
Molecular consequence: missense variant. On other transcripts: non-coding transcript variant (1).
Genome position (GRCh38, 1-based): chr16:30,902,429, G>C. VCF-style: chr16-30902429-G-C. GRCh37 (hg19) VCF-style: chr16-30913750-G-C.
Other names: c.493G>C, p.Gly165Arg (NM_001142544.3); short protein forms G166R, G165R.
Identifiers: ClinVar variation 4787991 (VCV004787991.1).